The following is an entry in ClinVar:

NM_001401501.2(MUC16):c.9595+1G>A

Gene: MUC16 (mucin 16, cell surface associated; minus strand). Cytogenetic location: 19p13.2.
Variant type: single nucleotide variant.
Coding change: c.9595+1G>A on transcript NM_001401501.2 (MANE Select); the canonical splice donor site of the intron after coding-DNA position 9595, G replaced by A.
Molecular consequence: splice donor variant.
Genome position (GRCh38, 1-based): chr19:8,971,663, C>T on the plus strand (G>A on the coding strand, the complement: MUC16 is on the minus strand). VCF-style: chr19-8971663-C-T. GRCh37 (hg19) VCF-style: chr19-9082339-C-T.
Other names: c.10021+1G>A (NM_001414686.1); c.9475+1G>A (NM_001414687.1, NM_024690.2).
Identifiers: ClinVar variation 3052082 (VCV003052082.2), dbSNP rs201917686, ClinGen allele CA9171725.

ClinVar aggregate classification (germline): Likely benign (0 of 4 stars; one submission).

Conditions:
MUC16-related disorder. Also called: MUC16-related condition.

Allele frequency attached by ClinVar (database versions not stated): gnomAD exomes 0.00006; ExAC 0.00013; ESP Exome Variant Server 0.00067; gnomAD 0.00074; TOPMed 0.00089.

Submission:

PreventionGenetics, part of Exact Sciences
Classification: Likely benign for MUC16-related condition. Last evaluated: 2023-07-30. Review status: no assertion criteria provided. Collection method: clinical testing. Allele origin: germline.
Comment: This variant is classified as likely benign based on ACMG/AMP sequence variant interpretation guidelines (Richards et al. 2015 PMID: 25741868, with internal and published modifications).